The following is an entry in ClinVar:

ClinVar aggregate classification (germline): Conflicting classifications of pathogenicity. Review status: criteria provided, conflicting classifications (1 of 4 stars). 2 submissions from 2 submitters: Uncertain significance (1); Likely benign (1). Last evaluated 2025-11-05.

Conditions:
MDFIC-related disorder. Also called: MDFIC-related condition.
Inborn genetic diseases. Identifiers: MedGen C0950123, MeSH D030342.

Allele frequency attached by ClinVar (database versions not stated): gnomAD exomes 0.00012; ExAC 0.00047; TOPMed 0.00142; gnomAD 0.00147; ESP Exome Variant Server 0.00192; 1000 Genomes Project 0.00220; 1000 Genomes Project 30x 0.00234.
gnomAD v4.1: 415 of 1,607,018 alleles (0.026%); highest among the groups gnomAD compares: African/African-American, 0.5%; no homozygotes.

Submissions (2):

PreventionGenetics, part of Exact Sciences
Classification: Likely benign for MDFIC-related condition. Last evaluated: 2025-11-05. Review status: criteria provided, single submitter. Criteria: ACMG Guidelines, 2015. Collection method: clinical testing. Allele origin: germline.
Comment: This variant is classified as likely benign based on ACMG/AMP sequence variant interpretation guidelines (Richards et al. 2015 PMID: 25741868, with internal and published modifications).

Ambry Genetics
Classification: Uncertain significance for Inborn genetic diseases. Last evaluated: 2023-12-15. Review status: criteria provided, single submitter. Criteria: Ambry Variant Classification Scheme 2023. Collection method: clinical testing. Allele origin: germline.

NM_001166345.3(MDFIC):c.167T>A (p.Met56Lys)

Gene: MDFIC (MyoD family inhibitor domain containing; plus strand). Cytogenetic location: 7q31.1.
Variant type: single nucleotide variant.
Coding change: c.167T>A on transcript NM_001166345.3 (MANE Select); coding-DNA position 167, T replaced by A.
Protein change: p.Met56Lys; replaces methionine 56 with lysine.
Molecular consequence: missense variant.
Genome position (GRCh38, 1-based): chr7:114,942,347, T>A. VCF-style: chr7-114942347-T-A. GRCh37 (hg19) VCF-style: chr7-114582402-T-A.
Other names: c.494T>A, p.Met165Lys (NM_199072.5); short protein forms M165K, M56K.
Identifiers: ClinVar variation 3124557 (VCV003124557.2), dbSNP rs148824599, ClinGen allele CA4446640.
Genomic context (GRCh38, chr7:114,942,347, plus strand): 5'-AAGACAATACTGAGAAAGATATAACTCAAGCTACCAATAGCCACTTCACACATGGAGAGA[T>A]GCAAGACCAGTCCATTTGGGGAAATCCTTCGGATGGTGAACTCATTAGAAGTAAGTATTT-3'
Protein context (NP_001159817.1, residues 46-66): ATNSHFTHGE[Met56Lys]QDQSIWGNPS